The following is an entry in ClinVar:

NM_000465.4(BARD1):c.1680G>A (p.Met560Ile)

Gene: BARD1 (BRCA1 associated RING domain 1; minus strand). Cytogenetic location: 2q35.
Variant type: single nucleotide variant.
Coding change: c.1680G>A on transcript NM_000465.4 (MANE Select); coding-DNA position 1680, G replaced by A.
Protein change: p.Met560Ile; replaces methionine 560 with isoleucine.
Molecular consequence: missense variant. On other transcripts: non-coding transcript variant (3), intron variant (1).
Genome position (GRCh38, 1-based): chr2:214,745,852, C>T on the plus strand (G>A on the coding strand, the complement: BARD1 is on the minus strand). VCF-style: chr2-214745852-C-T. GRCh37 (hg19) VCF-style: chr2-215610576-C-T.
Other names: c.1623G>A, p.Met541Ile (NM_001282543.2); c.327G>A, p.Met109Ile (NM_001282545.2); c.270G>A, p.Met90Ile (NM_001282548.2); c.365-15344G>A (NM_001282549.2); short protein forms M109I, M541I, M560I, M90I.
Identifiers: ClinVar variation 1060942 (VCV001060942.10), dbSNP rs2106021467, ClinGen allele CA350453349.
Genomic context (GRCh38, chr2:214,745,852, plus strand): 5'-TTCTGAAGACAGCCCACTGCCTATAAGTACAAGAGGTCCATCCCTACGCTGCCCAGTGTT[C>T]ATCTGTTAATATAAAAGGAGATACCAGTGTTAAAAACATTAGACGACTAGACAAAGACAT-3'
Protein context (NP_000456.2, residues 550-570): ESSSASHCSV[Met560Ile]NTGQRRDGPL

ClinVar aggregate classification (germline): Uncertain significance (1 of 4 stars; one submission).

Conditions:
Familial cancer of breast. Also called: Hereditary breast cancer; BREAST CANCER, FAMILIAL; hereditary breast carcinoma. Identifiers: Orphanet 227535, MedGen C0346153, MONDO:0016419, OMIM 114480. Disease mechanism: loss of function.

Submission:

Labcorp Genetics (formerly Invitae), Labcorp
Classification: Uncertain significance for Familial cancer of breast. Last evaluated: 2022-09-19. Review status: criteria provided, single submitter. Criteria: Invitae Variant Classification Sherloc (09022015). Collection method: clinical testing. Allele origin: germline.
Comment: In summary, the available evidence is currently insufficient to determine the role of this variant in disease. Therefore, it has been classified as a Variant of Uncertain Significance. Algorithms developed to predict the effect of missense changes on protein structure and function output the following: SIFT: "Tolerated"; PolyPhen-2: "Benign"; Align-GVGD: "Class C0". The isoleucine amino acid residue is found in multiple mammalian species, which suggests that this missense change does not adversely affect protein function. ClinVar contains an entry for this variant (Variation ID: 1060942). This variant has not been reported in the literature in individuals affected with BARD1-related conditions. This variant is not present in population databases (gnomAD no frequency). This sequence change replaces methionine, which is neutral and non-polar, with isoleucine, which is neutral and non-polar, at codon 560 of the BARD1 protein (p.Met560Ile).